The following is an entry in ClinVar:

NM_002691.4(POLD1):c.1294C>G (p.Arg432Gly)

Gene: POLD1 (DNA polymerase delta 1, catalytic subunit; plus strand). Cytogenetic location: 19q13.33.
Variant type: single nucleotide variant.
Coding change: c.1294C>G on transcript NM_002691.4 (MANE Select); coding-DNA position 1294, C replaced by G.
Protein change: p.Arg432Gly; replaces arginine 432 with glycine.
Molecular consequence: missense variant. On other transcripts: non-coding transcript variant (1).
Genome position (GRCh38, 1-based): chr19:50,406,233, C>G. VCF-style: chr19-50406233-C-G. GRCh37 (hg19) VCF-style: chr19-50909490-C-G.
Other names: c.1294C>G, p.Arg432Gly (NM_001256849.1, NM_001308632.1); short protein forms R432G.
Identifiers: ClinVar variation 407957 (VCV000407957.19), dbSNP rs774130423, ClinGen allele CA16616363.

ClinVar aggregate classification (germline): Conflicting classifications of pathogenicity. Review status: criteria provided, conflicting classifications (1 of 4 stars). 6 submissions from 6 submitters: Uncertain significance (5); Likely benign (1). Last evaluated 2026-01-12.

Conditions:
Hereditary cancer-predisposing syndrome. Also called: Neoplastic Syndromes, Hereditary; Hereditary neoplastic syndrome; Hereditary Cancer Syndrome; Tumor predisposition. Identifiers: Orphanet 140162, MedGen C0027672, MeSH D009386, MONDO:0015356.
POLD1-related polyposis and colorectal cancer syndrome (CRCS10). Also called: Colorectal cancer, susceptibility to, 10; Colorectal cancer 10; COLORECTAL CANCER, SUSCEPTIBILITY TO, ON CHROMOSOME 19q. Identifiers: Orphanet 220460, MedGen C2675481, MONDO:0012953, OMIM 612591.
Mandibular hypoplasia-deafness-progeroid syndrome. Also called: Mandibular hypoplasia, deafness, progeroid features, and lipodystrophy syndrome. Identifiers: Orphanet 363649, MedGen C3715192, MONDO:0014157, OMIM 615381.

gnomAD v4.1: 2 of 1,613,898 alleles (0.00012%); highest among the groups gnomAD compares: Non-Finnish European, 0.00017%; no homozygotes.

Submissions (6):

Labcorp Genetics (formerly Invitae), Labcorp
Classification: Uncertain significance for POLD1-related polyposis and colorectal cancer syndrome. Last evaluated: 2026-01-12. Review status: criteria provided, single submitter. Criteria: Invitae Variant Classification Sherloc (09022015). Collection method: clinical testing. Allele origin: germline.
Comment: This sequence change replaces arginine, which is basic and polar, with glycine, which is neutral and non-polar, at codon 432 of the POLD1 protein (p.Arg432Gly). This variant is present in population databases (no rsID available, gnomAD 0.0009%). This variant has not been reported in the literature in individuals affected with POLD1-related conditions. ClinVar contains an entry for this variant (Variation ID: 407957). Invitae Evidence Modeling of protein sequence and biophysical properties (such as structural, functional, and spatial information, amino acid conservation, physicochemical variation, residue mobility, and thermodynamic stability) indicates that this missense variant is not expected to disrupt POLD1 protein function with a negative predictive value of 80%. In summary, the available evidence is currently insufficient to determine the role of this variant in disease. Therefore, it has been classified as a Variant of Uncertain Significance.

Ambry Genetics
Classification: Likely benign for Hereditary cancer-predisposing syndrome. Last evaluated: 2024-10-29. Review status: criteria provided, single submitter. Criteria: Ambry Variant Classification Scheme 2023. Collection method: clinical testing. Allele origin: germline.

Baylor Genetics
Classification: Uncertain significance for POLD1-related polyposis and colorectal cancer syndrome. Last evaluated: 2024-02-23. Review status: criteria provided, single submitter. Criteria: ACMG Guidelines, 2015. Collection method: clinical testing. Allele origin: unknown.

GeneDx
Classification: Uncertain significance. Last evaluated: 2023-10-19. Review status: criteria provided, single submitter. Criteria: GeneDx Variant Classification Process June 2021. Collection method: clinical testing. Allele origin: germline. Affected: yes.
Comment: Not observed at significant frequency in large population cohorts (gnomAD); In silico analysis supports that this missense variant has a deleterious effect on protein structure/function; Has not been previously published as pathogenic or benign to our knowledge; This variant is associated with the following publications: (PMID: 20951805)

Sema4
Classification: Uncertain significance for Hereditary cancer-predisposing syndrome. Last evaluated: 2021-08-18. Review status: criteria provided, single submitter. Criteria: Sema4 Curation Guidelines. Collection method: curation. Allele origin: germline.
Comment: To the best of our knowledge, the POLD1 c.1294C>G (p.R432G) variant has not been reported in individuals with POLD1-related disease. It was observed in 1/113696 chromosomes of the Non-Finnish European subpopulation in the large and broad cohorts of the Genome Aggregation Database (PMID: 32461654). The variant has been reported in ClinVar (Variation ID: 407957). Functional studies have not been performed, and in silico predictions of the variant's effect on protein function are inconclusive. The evidence is insufficient to meet ACMG/AMP criteria for classifying the variant as benign or pathogenic. Thus, the clinical significance of this variant is currently uncertain.

Fulgent Genetics
Classification: Uncertain significance for POLD1-related polyposis and colorectal cancer syndrome; Mandibular hypoplasia-deafness-progeroid syndrome. Last evaluated: 2018-10-31. Review status: criteria provided, single submitter. Criteria: ACMG Guidelines, 2015. Collection method: clinical testing. Allele origin: unknown.